The following is an entry in ClinVar:

NM_001004334.4(GPR179):c.4970G>C (p.Gly1657Ala)

Gene: GPR179 (G protein-coupled receptor 179; minus strand). Cytogenetic location: 17q12.
Variant type: single nucleotide variant.
Coding change: c.4970G>C on transcript NM_001004334.4 (MANE Select); coding-DNA position 4970, G replaced by C.
Protein change: p.Gly1657Ala; replaces glycine 1657 with alanine.
Molecular consequence: missense variant.
Genome position (GRCh38, 1-based): chr17:38,328,599, C>G on the plus strand (G>C on the coding strand, the complement: GPR179 is on the minus strand). VCF-style: chr17-38328599-C-G. GRCh37 (hg19) VCF-style: chr17-36484482-C-G.
Other names: c.4970G>C (NM_001004334.2); short protein forms G1657A.
Identifiers: ClinVar variation 2117907 (VCV002117907.4), dbSNP rs888812050, ClinGen allele CA290103820.

ClinVar aggregate classification (germline): Uncertain significance. Review status: criteria provided, multiple submitters, no conflicts (2 of 4 stars). 2 submissions from 2 submitters: Uncertain significance (2). Last evaluated 2024-10-29.

Conditions:
Inborn genetic diseases. Identifiers: MedGen C0950123, MeSH D030342.

Allele frequency attached by ClinVar (database versions not stated): TOPMed below 0.00001; gnomAD 0.00001.
gnomAD v4.1: 3 of 1,614,008 alleles (0.00019%); highest among the groups gnomAD compares: African/African-American, 0.004%; no homozygotes.

Submissions (2):

Ambry Genetics
Classification: Uncertain significance for Inborn genetic diseases. Last evaluated: 2024-10-29. Review status: criteria provided, single submitter. Criteria: Ambry Variant Classification Scheme 2023. Collection method: clinical testing. Allele origin: germline.

Labcorp Genetics (formerly Invitae), Labcorp
Classification: Uncertain significance. Last evaluated: 2022-03-26. Review status: criteria provided, single submitter. Criteria: Invitae Variant Classification Sherloc (09022015). Collection method: clinical testing. Allele origin: germline.
Comment: This variant has not been reported in the literature in individuals affected with GPR179-related conditions. This variant is not present in population databases (gnomAD no frequency). This sequence change replaces glycine, which is neutral and non-polar, with alanine, which is neutral and non-polar, at codon 1657 of the GPR179 protein (p.Gly1657Ala). Algorithms developed to predict the effect of missense changes on protein structure and function (SIFT, PolyPhen-2, Align-GVGD) all suggest that this variant is likely to be tolerated. In summary, the available evidence is currently insufficient to determine the role of this variant in disease. Therefore, it has been classified as a Variant of Uncertain Significance.